The following is an entry in ClinVar:

NM_001080467.3(MYO5B):c.*2828G>T

Genes: MYO5B (myosin VB; minus strand), SNHG22 (small nucleolar RNA host gene 22; plus strand). Cytogenetic location: 18q21.1.
Variant type: single nucleotide variant.
Coding change: c.*2828G>T on transcript NM_001080467.3 (MANE Select); 2828 bases downstream of the stop codon, G replaced by T.
Molecular consequence: 3 prime UTR variant.
Genome position (GRCh38, 1-based): chr18:49,823,643, C>A on the plus strand (G>T on the coding strand, the complement: MYO5B is on the minus strand). VCF-style: chr18-49823643-C-A. GRCh37 (hg19) VCF-style: chr18-47350013-C-A.
Identifiers: ClinVar variation 892206 (VCV000892206.4), dbSNP rs375226833, ClinGen allele CA299922461.

ClinVar aggregate classification (germline): Uncertain significance (1 of 4 stars; one submission).

Conditions:
Congenital microvillous atrophy (DIAR2). Also called: CONGENITAL FAMILIAL PROTRACTED DIARRHEA WITH ENTEROCYTE BRUSH-BORDER ABNORMALITIES; DAVIDSON DISEASE; MICROVILLUS ATROPHY, CONGENITAL; Microvillus inclusion disease; Diarrhea 2 with microvillus atrophy, with or without cholestasis. Identifiers: Orphanet 2290, MedGen C0341306, MONDO:0009635, OMIM 251850.

Submission:

Illumina Laboratory Services, Illumina
Classification: Uncertain significance for Congenital microvillous atrophy. Last evaluated: 2017-05-18. Review status: criteria provided, single submitter. Criteria: ICSL Variant Classification Criteria 13 December 2019. Collection method: clinical testing. Allele origin: germline.
Comment: This variant was observed as part of a predisposition screen in an ostensibly healthy population. A literature search was performed for the gene, cDNA change, and amino acid change (where applicable). Publications were found based on this search. However, the evidence from the literature, in combination with allele frequency data from public databases where available, was not sufficient to rule this variant in or out of causing disease. Therefore, this variant is classified as a variant of unknown significance.

Literature cited by the submitters: PubMed 27242896.